The following is an entry in ClinVar:

ClinVar aggregate classification (germline): Uncertain significance (1 of 4 stars; one submission).

Allele frequency attached by ClinVar (database versions not stated): gnomAD exomes below 0.00001.
gnomAD v4.1: 1 of 1,613,868 alleles (0.000062%); highest among the groups gnomAD compares: Middle Eastern, 0.016%; no homozygotes.

Submission:

Labcorp Genetics (formerly Invitae), Labcorp
Classification: Uncertain significance. Last evaluated: 2023-07-10. Review status: criteria provided, single submitter. Criteria: Invitae Variant Classification Sherloc (09022015). Collection method: clinical testing. Allele origin: germline.
Comment: Algorithms developed to predict the effect of missense changes on protein structure and function output the following: SIFT: "Not Available"; PolyPhen-2: "Benign"; Align-GVGD: "Not Available". The serine amino acid residue is found in multiple mammalian species, which suggests that this missense change does not adversely affect protein function. This variant has not been reported in the literature in individuals affected with HMCN1-related conditions. This variant is present in population databases (no rsID available, gnomAD 0.002%). This sequence change replaces proline, which is neutral and non-polar, with serine, which is neutral and polar, at codon 1222 of the HMCN1 protein (p.Pro1222Ser). In summary, the available evidence is currently insufficient to determine the role of this variant in disease. Therefore, it has been classified as a Variant of Uncertain Significance.

NM_031935.3(HMCN1):c.3664C>T (p.Pro1222Ser)

Gene: HMCN1 (hemicentin 1; plus strand). Cytogenetic location: 1q31.1.
Variant type: single nucleotide variant.
Coding change: c.3664C>T on transcript NM_031935.3 (MANE Select); coding-DNA position 3664, C replaced by T.
Protein change: p.Pro1222Ser; replaces proline 1222 with serine.
Molecular consequence: missense variant.
Genome position (GRCh38, 1-based): chr1:185,994,973, C>T. VCF-style: chr1-185994973-C-T. GRCh37 (hg19) VCF-style: chr1-185964105-C-T.
Other names: short protein forms P1222S.
Identifiers: ClinVar variation 2786669 (VCV002786669.3), dbSNP rs1222570331, ClinGen allele CA343871452.